The following is an entry in ClinVar:

NM_000083.3(CLCN1):c.1252-1G>T

Gene: CLCN1 (chloride voltage-gated channel 1; plus strand). Cytogenetic location: 7q34.
Variant type: single nucleotide variant.
Coding change: c.1252-1G>T on transcript NM_000083.3 (MANE Select); the canonical splice acceptor site of the intron before coding-DNA position 1252, G replaced by T.
Molecular consequence: splice acceptor variant.
Genome position (GRCh38, 1-based): chr7:143,332,723, G>T. VCF-style: chr7-143332723-G-T. GRCh37 (hg19) VCF-style: chr7-143029816-G-T.
Identifiers: ClinVar variation 2950953 (VCV002950953.3), dbSNP rs1802760935, ClinGen allele CA369643676.

ClinVar aggregate classification (germline): Likely pathogenic (1 of 4 stars; one submission).

Conditions:
Congenital myotonia, autosomal dominant form (THD). Also called: THOMSEN DISEASE; Myotonia congenita autosomal dominant. Identifiers: Orphanet 614, MedGen C2936781, MONDO:0008055, OMIM 160800.
Congenital myotonia, autosomal recessive form. Also called: BECKER DISEASE; Becker Generalized Myotonia; myotonia congenita, autosomal recessive. Identifiers: Orphanet 614, MedGen C0751360, MONDO:0009715, OMIM 255700.

Submission:

Labcorp Genetics (formerly Invitae), Labcorp
Classification: Likely pathogenic for Congenital myotonia, autosomal recessive form; Congenital myotonia, autosomal dominant form. Last evaluated: 2023-08-14. Review status: criteria provided, single submitter. Criteria: Invitae Variant Classification Sherloc (09022015). Collection method: clinical testing. Allele origin: germline.
Comment: This sequence change affects an acceptor splice site in intron 11 of the CLCN1 gene. It is expected to disrupt RNA splicing. Variants that disrupt the donor or acceptor splice site typically lead to a loss of protein function (PMID: 16199547), and loss-of-function variants in CLCN1 are known to be pathogenic (PMID: 17932099, 22094069, 23739125). This variant is not present in population databases (gnomAD no frequency). This variant has not been reported in the literature in individuals affected with CLCN1-related conditions. Algorithms developed to predict the effect of sequence changes on RNA splicing suggest that this variant may disrupt the consensus splice site. In summary, the currently available evidence indicates that the variant is pathogenic, but additional data are needed to prove that conclusively. Therefore, this variant has been classified as Likely Pathogenic.

Literature cited by the submitters: PubMed 16199547; PubMed 17932099; PubMed 22094069; PubMed 23739125.